The following is an entry in ClinVar:

ClinVar aggregate classification (germline): Uncertain significance. Review status: criteria provided, single submitter (1 of 4 stars). 2 submissions from 2 submitters: Uncertain significance (1). 1 of the submissions does not count toward it. Last evaluated 2023-06-01.

Conditions:
Muscular dystrophy, congenital, with cataracts and impaired intellectual development. Also called: Congenital muscular dystrophy with cataracts and intellectual disability. Identifiers: Orphanet 662184, MedGen C4479410, MONDO:0024607, OMIM 617404.

Allele frequency attached by ClinVar (database versions not stated): TOPMed 0.00001; gnomAD exomes below 0.00001; gnomAD 0.00001.
gnomAD v4.1: 2 of 1,604,594 alleles (0.00012%); highest among the groups gnomAD compares: Non-Finnish European, 0.00017%; no homozygotes.

Submissions (2):

GeneDx
Classification: Uncertain significance. Last evaluated: 2023-06-01. Review status: criteria provided, single submitter. Criteria: GeneDx Variant Classification Process June 2021. Collection method: clinical testing. Allele origin: germline. Affected: yes.
Comment: Not observed at significant frequency in large population cohorts (gnomAD); Intronic +5 splice site variant in a gene for which loss of function is a known mechanism of disease, and both splice predictors and evolutionary conservation support a deleterious effect, although in the absence of functional evidence the actual effect of this sequence change is unknown.; Has not been previously published as pathogenic or benign to our knowledge

Institute of Human Genetics, University of Goettingen
Classification: Uncertain significance for Muscular dystrophy, congenital, with cataracts and impaired intellectual development. Last evaluated: 2022-10-20. Review status: no assertion criteria provided. Collection method: clinical testing. Allele origin: unknown. Inheritance: Autosomal recessive inheritance. Affected: yes. Not counted in ClinVar's aggregate classification.

NM_016532.4(INPP5K):c.152+5G>T

Gene: INPP5K (inositol polyphosphate-5-phosphatase K; minus strand). Cytogenetic location: 17p13.3.
Variant type: single nucleotide variant.
Coding change: c.152+5G>T on transcript NM_016532.4 (MANE Select); 5 bases into the intron after coding-DNA position 152, G replaced by T.
Molecular consequence: intron variant.
Genome position (GRCh38, 1-based): chr17:1,513,867, C>A on the plus strand (G>T on the coding strand, the complement: INPP5K is on the minus strand). VCF-style: chr17-1513867-C-A. GRCh37 (hg19) VCF-style: chr17-1417161-C-A.
Other names: c.-77+5G>T (NM_130766.3, NM_001135642.2).
Identifiers: ClinVar variation 1799521 (VCV001799521.3), dbSNP rs1465508112, ClinGen allele CA624348393.